The following is an entry in ClinVar:

NM_001008537.3(NEXMIF):c.1409G>T (p.Gly470Val)

Gene: NEXMIF (neurite extension and migration factor; minus strand). Cytogenetic location: Xq13.3.
Variant type: single nucleotide variant.
Coding change: c.1409G>T on transcript NM_001008537.3 (MANE Select); coding-DNA position 1409, G replaced by T.
Protein change: p.Gly470Val; replaces glycine 470 with valine.
Molecular consequence: missense variant.
Genome position (GRCh38, 1-based): chrX:74,743,148, C>A on the plus strand (G>T on the coding strand, the complement: NEXMIF is on the minus strand). VCF-style: chrX-74743148-C-A. GRCh37 (hg19) VCF-style: chrX-73962983-C-A.
Other names: short protein forms G470V.
Identifiers: ClinVar variation 862224 (VCV000862224.9), dbSNP rs2080113226, ClinGen allele CA413670568.

ClinVar aggregate classification (germline): Uncertain significance (1 of 4 stars; one submission).

Allele frequency attached by ClinVar (database versions not stated): TOPMed 0.00001.

Submission:

Labcorp Genetics (formerly Invitae), Labcorp
Classification: Uncertain significance. Last evaluated: 2019-01-26. Review status: criteria provided, single submitter. Criteria: Invitae Variant Classification Sherloc (09022015). Collection method: clinical testing. Allele origin: germline.
Comment: This variant is not present in population databases (ExAC no frequency). In summary, the available evidence is currently insufficient to determine the role of this variant in disease. Therefore, it has been classified as a Variant of Uncertain Significance. Algorithms developed to predict the effect of missense changes on protein structure and function are either unavailable or do not agree on the potential impact of this missense change (SIFT: "Deleterious"; PolyPhen-2: "Benign"; Align-GVGD: "Class C0"). This variant has not been reported in the literature in individuals with NEXMIF-related conditions. This sequence change replaces glycine with valine at codon 470 of the NEXMIF protein (p.Gly470Val). The glycine residue is moderately conserved and there is a moderate physicochemical difference between glycine and valine.